The following is an entry in ClinVar:

ClinVar aggregate classification (germline): Likely pathogenic (1 of 4 stars; one submission).

Conditions:
Renal cysts and diabetes syndrome (RCAD). Also called: Familial hypoplastic, glomerulocystic kidney; MATURITY-ONSET DIABETES OF THE YOUNG, TYPE 5. Identifiers: Orphanet 93111, MedGen C0431693, MONDO:0007669, OMIM 137920.

Submission:

Broad Center for Mendelian Genomics, Broad Institute of MIT and Harvard
Classification: Likely pathogenic for Renal cysts and diabetes syndrome. Last evaluated: 2023-12-21. Review status: criteria provided, single submitter. Criteria: ACMG Guidelines, 2015. Collection method: curation. Allele origin: germline. Inheritance: Autosomal dominant inheritance. Study: GREGoR Consortium.
Comment: This variant was absent from large population studies. This variant is predicted to cause a frameshift, which alters the protein's amino acid sequence beginning at position 72 and leads to a premature termination codon 53 amino acids downstream. This alteration is then predicted to lead to a truncated or absent protein. Heterozygous loss of function of the HNF1B gene is an established disease mechanism renal cysts and diabetes syndrome. In summary, this variant meets criteria to be classified as pathogenic for autosomal dominant renal cysts and diabetes syndrome. ACMG/AMP Criteria applied: PVS1, PM2_supporting (Richards 2015).

NM_000458.4(HNF1B):c.215del (p.Gly72fs)

Gene: HNF1B (HNF1 homeobox B; minus strand). Cytogenetic location: 17q12.
Variant type: Deletion.
Coding change: c.215del on transcript NM_000458.4 (MANE Select); coding-DNA position 215, one base deleted (G; older notation c.215delG).
Protein change: p.Gly72fs; shifts the reading frame from glycine 72.
Molecular consequence: frameshift variant.
Genome position (GRCh38, 1-based): chr17:37,744,670, C deleted on the plus strand (G on the coding strand, the reverse complement: HNF1B is on the minus strand); the first of 3 consecutive C bases (chr17:37,744,670-37,744,672); deleting any one gives the same sequence. VCF-style (leftmost placement, unchanged base first): chr17-37744669-GC-G. GRCh37 (hg19) VCF-style: chr17-36104660-GC-G.
Other names: NM_001304286.2:c.215del; c.215del, p.Gly72fs (NM_001165923.4, NM_001304286.2, NM_001411100.1); short protein forms G72fs.
Identifiers: ClinVar variation 2674593 (VCV002674593.1), dbSNP rs2511851224, ClinGen allele CA2582343037.